The following is an entry in ClinVar:

ClinVar aggregate classification (germline): Uncertain significance (1 of 4 stars; one submission).

Submission:

Ambry Genetics
Classification: Uncertain significance. Last evaluated: 2025-05-31. Review status: criteria provided, single submitter. Criteria: Ambry Variant Classification Scheme 2023. Collection method: clinical testing. Allele origin: germline.
Comment: The p.M131T variant (also known as c.392T>C), located in coding exon 4 of the RAD51B gene, results from a T to C substitution at nucleotide position 392. The methionine at codon 131 is replaced by threonine, an amino acid with similar properties. This amino acid position is conserved. In addition, this alteration is predicted to be tolerated by in silico analysis. Based on the available evidence, the clinical significance of this variant remains unclear.

NM_133510.4(RAD51B):c.392T>C (p.Met131Thr)

Gene: RAD51B (RAD51 paralog B; plus strand). Cytogenetic location: 14q24.1.
Variant type: single nucleotide variant.
Coding change: c.392T>C on transcript NM_133510.4 (MANE Select); coding-DNA position 392, T replaced by C.
Protein change: p.Met131Thr; replaces methionine 131 with threonine.
Molecular consequence: missense variant.
Genome position (GRCh38, 1-based): chr14:67,865,079, T>C. VCF-style: chr14-67865079-T-C. GRCh37 (hg19) VCF-style: chr14-68331796-T-C.
Other names: c.392T>C, p.Met131Thr (NM_001321809.2, NM_001321810.2, NM_001321812.1 and 6 more transcripts); c.278T>C, p.Met93Thr (NM_001321815.1); c.35T>C, p.Met12Thr (NM_001321817.2); short protein forms M93T, M12T, M131T.
Identifiers: ClinVar variation 3942333 (VCV003942333.1).
Genomic context (GRCh38, chr14:67,865,079, plus strand): 5'-GTTGTGGAAAAACTCAGTTTTGTATAATGATGAGCATTTTGGCTACATTACCCACCAACA[T>C]GGGAGGATTAGAAGGAGCTGTGGTGTACATTGACACAGAGTCTGCATTTAGTGCTGAAAG-3'
Protein context (NP_598194.1, residues 121-141): MSILATLPTN[Met131Thr]GGLEGAVVYI